The following is an entry in ClinVar:

NM_002241.5(KCNJ10):c.*3506C>T

Gene: KCNJ10 (potassium inwardly rectifying channel subfamily J member 10; minus strand). Cytogenetic location: 1q23.2.
Variant type: single nucleotide variant.
Coding change: c.*3506C>T on transcript NM_002241.5 (MANE Select); 3506 bases downstream of the stop codon, C replaced by T.
Molecular consequence: 3 prime UTR variant.
Genome position (GRCh38, 1-based): chr1:160,037,887, G>A on the plus strand (C>T on the coding strand, the complement: KCNJ10 is on the minus strand). VCF-style: chr1-160037887-G-A. GRCh37 (hg19) VCF-style: chr1-160007677-G-A.
Identifiers: ClinVar variation 293072 (VCV000293072.5), dbSNP rs79012831, ClinGen allele CA10608373.
Genomic context (GRCh38, chr1:160,037,887, plus strand): 5'-ATTTTATTAGGCTGACAGGGGTTGGGGGAATAATGGGGTGAAGCACATTGCAGAGATTTC[G>A]GAAGCCTCTCATGGAACTTCACCATCCCCTAGAGCAGCTGGTAACCCCACTCCTCATTTT-3'

ClinVar aggregate classification (germline): Conflicting classifications of pathogenicity. Review status: criteria provided, conflicting classifications (1 of 4 stars). 2 submissions from 1 submitter: Uncertain significance (1); Benign (1). Last evaluated 2018-01-13.

Conditions:
EAST syndrome (SESAMES). Also called: SEIZURES, SENSORINEURAL DEAFNESS, ATAXIA, IMPAIRED INTELLECTUAL DEVELOPMENT, AND ELECTROLYTE IMBALANCE. Identifiers: Orphanet 199343, MedGen C2748572, MONDO:0013005, OMIM 612780.
Autosomal recessive nonsyndromic hearing loss 4 (DFNB4). Also called: FOXI1-Related Pendred Syndrome; KCNJ10-Related Pendred Syndrome; DEAFNESS, AUTOSOMAL RECESSIVE 4, WITH ENLARGED VESTIBULAR AQUEDUCT, DIGENIC; NEUROSENSORY NONSYNDROMIC RECESSIVE DEAFNESS 4; Nonsyndromic enlarged vestibular aqueduct (NSEVA); Deafness, autosomal recessive 4, with enlarged vestibular aqueduct. Identifiers: Orphanet 90636, MedGen C3538946, MONDO:0010933, OMIM 600791.

Allele frequency attached by ClinVar (database versions not stated): gnomAD 0.00052 and 0.00074; TOPMed 0.00052; 1000 Genomes Project 30x 0.00359; 1000 Genomes Project 0.00399.

Submissions (2):

Illumina Laboratory Services, Illumina
Classification: Uncertain significance for Autosomal recessive nonsyndromic hearing loss 4. Last evaluated: 2018-01-13. Review status: criteria provided, single submitter. Criteria: ICSL Variant Classification Criteria 13 December 2019. Collection method: clinical testing. Allele origin: germline.

Illumina Laboratory Services, Illumina
Classification: Benign for EAST syndrome. Last evaluated: 2018-01-13. Review status: criteria provided, single submitter. Criteria: ICSL Variant Classification Criteria 13 December 2019. Collection method: clinical testing. Allele origin: germline.
Comment: This variant was observed in the ICSL laboratory as part of a predisposition screen in an ostensibly healthy population. It had not been previously curated by ICSL or reported in the Human Gene Mutation Database (HGMD: prior to June 1st, 2018), and was therefore a candidate for classification through an automated scoring system. Utilizing variant allele frequency, disease prevalence and penetrance estimates, and inheritance mode, an automated score was calculated to assess if this variant is too frequent to cause the disease. Based on the score and internal cut-off values, a variant classified as benign is not then subjected to further curation. The score for this variant resulted in a classification of benign for this disease.